The following is an entry in ClinVar:

ClinVar aggregate classification (germline): Pathogenic (1 of 4 stars; one submission).

Submission:

Labcorp Genetics (formerly Invitae), Labcorp
Classification: Pathogenic. Last evaluated: 2023-10-10. Review status: criteria provided, single submitter. Criteria: Invitae Variant Classification Sherloc (09022015). Collection method: clinical testing. Allele origin: unknown.
Comment: This variant is a gross deletion of the genomic region encompassing exon(s) 4-9 of the TANGO2 gene, which includes the termination codon. This deletion extends beyond the assayed region for this gene and therefore may encompass additional genes. While this deletion is not anticipated to lead to nonsense mediated decay, it is expected to alter mRNA translation or result in a truncated protein product. This variant has not been reported in the literature in individuals affected with TANGO2-related conditions. This variant disrupts a region of the TANGO2 protein in which other variant(s) (p.Gly154Arg) have been determined to be pathogenic (PMID: 26805781). This suggests that this is a clinically significant region of the protein, and that variants that disrupt it are likely to be disease-causing. For these reasons, this variant has been classified as Pathogenic.

Literature cited by the submitters: PubMed 26805781.

NC_000022.10:g.(?_20039968)_(20052185_?)del

Gene: TANGO2 (transport and golgi organization 2 homolog; plus strand). Cytogenetic location: 22q11.21.
Variant type: Deletion.
Identifiers: ClinVar variation 3248139 (VCV003248139.1).